The following is an entry in ClinVar:

ClinVar aggregate classification (germline): Uncertain significance (1 of 4 stars; one submission).

Conditions:
PHGDH deficiency. Identifiers: Orphanet 79351, MedGen C1866174, MONDO:0011152, OMIM 601815.

Allele frequency attached by ClinVar (database versions not stated): TOPMed below 0.00001.

Submission:

Labcorp Genetics (formerly Invitae), Labcorp
Classification: Uncertain significance for PHGDH deficiency. Last evaluated: 2022-03-18. Review status: criteria provided, single submitter. Criteria: Invitae Variant Classification Sherloc (09022015). Collection method: clinical testing. Allele origin: germline.
Comment: This sequence change replaces glutamine, which is neutral and polar, with arginine, which is basic and polar, at codon 29 of the PHGDH protein (p.Gln29Arg). This variant is not present in population databases (gnomAD no frequency). This variant has not been reported in the literature in individuals affected with PHGDH-related conditions. Algorithms developed to predict the effect of missense changes on protein structure and function (SIFT, PolyPhen-2, Align-GVGD) all suggest that this variant is likely to be tolerated. In summary, the available evidence is currently insufficient to determine the role of this variant in disease. Therefore, it has been classified as a Variant of Uncertain Significance.

NM_006623.4(PHGDH):c.86A>G (p.Gln29Arg)

Gene: PHGDH (phosphoglycerate dehydrogenase; plus strand). Cytogenetic location: 1p12.
Variant type: single nucleotide variant.
Coding change: c.86A>G on transcript NM_006623.4 (MANE Select); coding-DNA position 86, A replaced by G.
Protein change: p.Gln29Arg; replaces glutamine 29 with arginine.
Molecular consequence: missense variant.
Genome position (GRCh38, 1-based): chr1:119,712,108, A>G. VCF-style: chr1-119712108-A-G. GRCh37 (hg19) VCF-style: chr1-120254731-A-G.
Other names: short protein forms Q29R.
Identifiers: ClinVar variation 1471324 (VCV001471324.3), dbSNP rs1650720815, ClinGen allele CA341414966.